The following is an entry in ClinVar:

ClinVar aggregate classification (germline): Pathogenic/Likely pathogenic. Review status: criteria provided, multiple submitters, no conflicts (2 of 4 stars). 2 submissions from 2 submitters: Pathogenic (1); Likely pathogenic (1). Last evaluated 2025-01-27.

Conditions:
Hereditary spastic paraplegia 31. Also called: SPASTIC PARAPLEGIA 31, AUTOSOMAL DOMINANT. Identifiers: Orphanet 101011, MedGen C1853247, MONDO:0012453, OMIM 610250.

Submissions (2):

Labcorp Genetics (formerly Invitae), Labcorp
Classification: Pathogenic for Hereditary spastic paraplegia 31. Last evaluated: 2025-01-27. Review status: criteria provided, single submitter. Criteria: Invitae Variant Classification Sherloc (09022015). Collection method: clinical testing. Allele origin: germline.
Comment: This sequence change affects an acceptor splice site in intron 2 of the REEP1 gene. It is expected to disrupt RNA splicing. Variants that disrupt the donor or acceptor splice site typically lead to a loss of protein function (PMID: 16199547), and loss-of-function variants in REEP1 are known to be pathogenic (PMID: 18321925, 18644145, 32655478). This variant is not present in population databases (gnomAD no frequency). Disruption of this splice site has been observed in individuals with clinical features of REEP1-related conditions (internal data). ClinVar contains an entry for this variant (Variation ID: 938487). Algorithms developed to predict the effect of sequence changes on RNA splicing suggest that this variant may disrupt the consensus splice site. For these reasons, this variant has been classified as Pathogenic.

Mayo Clinic Laboratories, Mayo Clinic
Classification: Likely pathogenic. Last evaluated: 2023-10-03. Review status: criteria provided, single submitter. Criteria: ACMG Guidelines, 2015. Collection method: clinical testing. Allele origin: germline. Observed: 1 variant allele.
Comment: PM2_moderate, PVS1

Literature cited by the submitters: PubMed 16199547 (cited by Labcorp Genetics (formerly Invitae), Labcorp); PubMed 18321925 (cited by Labcorp Genetics (formerly Invitae), Labcorp); PubMed 18644145 (cited by Labcorp Genetics (formerly Invitae), Labcorp); PubMed 32655478 (cited by Labcorp Genetics (formerly Invitae), Labcorp).

NM_001371279.1(REEP1):c.106-2A>T

Gene: REEP1 (receptor accessory protein 1; minus strand). Cytogenetic location: 2p11.2.
Variant type: single nucleotide variant.
Coding change: c.106-2A>T on transcript NM_001371279.1 (MANE Select); the canonical splice acceptor site of the intron before coding-DNA position 106, A replaced by T.
Molecular consequence: splice acceptor variant.
Genome position (GRCh38, 1-based): chr2:86,264,043, T>A on the plus strand (A>T on the coding strand, the complement: REEP1 is on the minus strand). VCF-style: chr2-86264043-T-A. GRCh37 (hg19) VCF-style: chr2-86491166-T-A.
Other names: c.127-2A>T (NM_001164730.2); c.25-2A>T (NM_001164731.2); c.106-2A>T (NM_001164732.2, NM_001371280.1, NM_022912.3 and 2 more transcripts).
Identifiers: ClinVar variation 938487 (VCV000938487.9), dbSNP rs1677010564, ClinGen allele CA347720188.